The following is an entry in ClinVar:

ClinVar aggregate classification (germline): Uncertain significance (1 of 4 stars; one submission).

Submission:

GeneDx
Classification: Uncertain significance. Last evaluated: 2024-12-07. Review status: criteria provided, single submitter. Criteria: GeneDx Variant Classification Process June 2021. Collection method: clinical testing. Allele origin: germline. Affected: yes.
Comment: Frameshift variant predicted to result in protein truncation or nonsense mediated decay in a gene or region of a gene for which loss of function is not a well-established mechanism of disease; Has not been previously published as pathogenic or benign to our knowledge; Not observed at significant frequency in large population cohorts (gnomAD)

NM_006445.4(PRPF8):c.4136del (p.Phe1379fs)

Gene: PRPF8 (pre-mRNA processing factor 8; minus strand). Cytogenetic location: 17p13.3.
Variant type: Deletion.
Coding change: c.4136del on transcript NM_006445.4 (MANE Select); coding-DNA position 4136, one base deleted (T; older notation c.4136delT).
Protein change: p.Phe1379fs; shifts the reading frame from phenylalanine 1379.
Molecular consequence: frameshift variant.
Genome position (GRCh38, 1-based): chr17:1,661,677, A deleted on the plus strand (T on the coding strand, the reverse complement: PRPF8 is on the minus strand); the first of 2 consecutive A bases (chr17:1,661,677-1,661,678); deleting either gives the same sequence. VCF-style (leftmost placement, unchanged base first): chr17-1661676-GA-G. GRCh37 (hg19) VCF-style: chr17-1564970-GA-G.
Other names: short protein forms F1379fs.
Identifiers: ClinVar variation 3903419 (VCV003903419.1).